The following is an entry in ClinVar:

NM_001378457.1(DMXL2):c.7313C>T (p.Pro2438Leu)

Gene: DMXL2 (Dmx like 2; minus strand). Cytogenetic location: 15q21.2.
Variant type: single nucleotide variant.
Coding change: c.7313C>T on transcript NM_001378457.1 (MANE Select); coding-DNA position 7313, C replaced by T.
Protein change: p.Pro2438Leu; replaces proline 2438 with leucine.
Molecular consequence: missense variant. On other transcripts: non-coding transcript variant (2).
Genome position (GRCh38, 1-based): chr15:51,471,302, G>A on the plus strand (C>T on the coding strand, the complement: DMXL2 is on the minus strand). VCF-style: chr15-51471302-G-A. GRCh37 (hg19) VCF-style: chr15-51763499-G-A.
Other names: c.7313C>T, p.Pro2438Leu (NM_001174116.3, NM_001378459.1, NM_001378461.1 and 1 more transcripts); c.5402C>T, p.Pro1801Leu (NM_001174117.3); c.7310C>T, p.Pro2437Leu (NM_001378458.1, NM_001378462.1, NM_015263.5); c.5291C>T, p.Pro1764Leu (NM_001378460.1); c.7070C>T, p.Pro2357Leu (NM_001378464.1); c.7313C>T (NM_001174116.1); short protein forms P2357L, P1764L, P2437L, P1801L, P2438L.
Identifiers: ClinVar variation 2174362 (VCV002174362.3), dbSNP rs372032462, ClinGen allele CA7561360.

ClinVar aggregate classification (germline): Uncertain significance. Review status: criteria provided, multiple submitters, no conflicts (2 of 4 stars). 3 submissions from 3 submitters: Uncertain significance (2). 1 of the submissions does not count toward it. Last evaluated 2024-11-18.

Conditions:
DMXL2-related disorder. Also called: DMXL2-related condition.

Allele frequency attached by ClinVar (database versions not stated): ExAC 0.00003; ESP Exome Variant Server 0.00008; gnomAD 0.00011.
gnomAD v4.1: 61 of 1,613,886 alleles (0.0038%); highest among the groups gnomAD compares: African/African-American, 0.015%; no homozygotes.

Submissions (3):

GeneDx
Classification: Uncertain significance. Last evaluated: 2024-11-18. Review status: criteria provided, single submitter. Criteria: GeneDx Variant Classification Process June 2021. Collection method: clinical testing. Allele origin: germline. Affected: yes.
Comment: In silico analysis supports that this missense variant has a deleterious effect on protein structure/function; Has not been previously published as pathogenic or benign to our knowledge

Labcorp Genetics (formerly Invitae), Labcorp
Classification: Uncertain significance. Last evaluated: 2022-07-11. Review status: criteria provided, single submitter. Criteria: Invitae Variant Classification Sherloc (09022015). Collection method: clinical testing. Allele origin: germline.
Comment: This sequence change replaces proline, which is neutral and non-polar, with leucine, which is neutral and non-polar, at codon 2438 of the DMXL2 protein (p.Pro2438Leu). This variant is present in population databases (rs372032462, gnomAD 0.01%). This variant has not been reported in the literature in individuals affected with DMXL2-related conditions. Algorithms developed to predict the effect of missense changes on protein structure and function are either unavailable or do not agree on the potential impact of this missense change (SIFT: "Deleterious"; PolyPhen-2: "Probably Damaging"; Align-GVGD: "Class C15"). In summary, the available evidence is currently insufficient to determine the role of this variant in disease. Therefore, it has been classified as a Variant of Uncertain Significance.

PreventionGenetics, part of Exact Sciences
Classification: Uncertain significance for DMXL2-related condition. Last evaluated: 2024-05-22. Review status: no assertion criteria provided. Collection method: clinical testing. Allele origin: germline. Not counted in ClinVar's aggregate classification.
Comment: The DMXL2 c.7313C>T variant is predicted to result in the amino acid substitution p.Pro2438Leu. To our knowledge, this variant has not been reported in the literature. This variant is reported in 0.018% of alleles in individuals of African descent in gnomAD. At this time, the clinical significance of this variant is uncertain due to the absence of conclusive functional and genetic evidence.